The following is an entry in ClinVar:

ClinVar aggregate classification (germline): Conflicting classifications of pathogenicity. Review status: criteria provided, conflicting classifications (1 of 4 stars). 2 submissions from 2 submitters: Likely pathogenic (1); Uncertain significance (1). Last evaluated 2026-07-01.

Conditions:
Glycogen storage disease, type II (IOPD). Also called: CARDIOMEGALIA GLYCOGENICA DIFFUSA; GLYCOGENOSIS, GENERALIZED, CARDIAC FORM; GSD II; Glycogen storage disease type 2; Acid maltase deficiency disease; Aglucosidase alfa. Identifiers: Orphanet 365, MedGen C0017921, MONDO:0009290, OMIM 232300.

Submissions (2):

Genomenon, Inc
Classification: Uncertain significance for Glycogen storage disease, type II. Last evaluated: 2026-07-01. Review status: criteria provided, single submitter. Criteria: Genomenon Sequence Variant Interpretation Standards - Updated. Collection method: curation. Allele origin: germline. Affected: yes.
Comment: GAA c.-32-17_-32-10delinsTCCCTGCTGAGCCTCCTACAGGCCTCCCGC is an intronic deletion-insertion variant located in the 5′ untranslated region (5′ UTR). This variant has been observed in at least one proband with a GAA-related disorder in the compound heterozygous and/or homozygous state (PMID:25139343;25037089). It is absent or not present at a significant frequency in gnomAD. In silico models predict that this variant is possibly or probably damaging. In conclusion, we classify GAA c.-32-17_-32-10delinsTCCCTGCTGAGCCTCCTACAGGCCTCCCGC as a variant of uncertain significance.

Labcorp Genetics (formerly Invitae), Labcorp
Classification: Likely pathogenic for Glycogen storage disease, type II. Last evaluated: 2022-10-06. Review status: criteria provided, single submitter. Criteria: Invitae Variant Classification Sherloc (09022015). Collection method: clinical testing. Allele origin: germline.
Comment: This variant disrupts the c.-32-13T nucleotide in the GAA gene. Other variant(s) that disrupt this nucleotide have been determined to be pathogenic (PMID: 2510307, 7881425, 21439876, 22613277, 24245577, 24590251, 26231297). This suggests that this nucleotide is clinically significant, and that variants that disrupt this position are likely to be disease-causing. In summary, the currently available evidence indicates that the variant is pathogenic, but additional data are needed to prove that conclusively. Therefore, this variant has been classified as Likely Pathogenic. Algorithms developed to predict the effect of sequence changes on RNA splicing suggest that this variant may disrupt the consensus splice site. This sequence change falls in intron 1 of the GAA gene. It does not directly change the encoded amino acid sequence of the GAA protein. This variant is not present in population databases (gnomAD no frequency). This variant has been observed in individual(s) with Pompe disease (PMID: 25037089). Experimental studies and prediction algorithms are not available or were not evaluated, and the functional significance of this variant is currently unknown.

Literature cited by the submitters: PubMed 25139343 (cited by Genomenon, Inc); PubMed 25037089 (cited by Genomenon, Inc and Labcorp Genetics (formerly Invitae), Labcorp); PubMed 2510307 (cited by Labcorp Genetics (formerly Invitae), Labcorp); PubMed 7881425 (cited by Labcorp Genetics (formerly Invitae), Labcorp); PubMed 21439876 (cited by Labcorp Genetics (formerly Invitae), Labcorp); PubMed 22613277 (cited by Labcorp Genetics (formerly Invitae), Labcorp); PubMed 24245577 (cited by Labcorp Genetics (formerly Invitae), Labcorp); PubMed 24590251 (cited by Labcorp Genetics (formerly Invitae), Labcorp); PubMed 26231297 (cited by Labcorp Genetics (formerly Invitae), Labcorp).

NM_000152.5(GAA):c.-32-17_-32-10delinsTCCCTGCTGAGCCTCCTACAGGCCTCCCGC

Gene: GAA (alpha glucosidase; plus strand). Cytogenetic location: 17q25.3.
Variant type: Indel.
Coding change: c.-32-17_-32-10delinsTCCCTGCTGAGCCTCCTACAGGCCTCCCGC on transcript NM_000152.5 (MANE Select); 17 bases into the intron before 32 bases upstream of the start codon through 10 bases into the intron before 32 bases upstream of the start codon, GCTTTCTT replaced by TCCCTGCTGAGCCTCCTACAGGCCTCCCGC.
Molecular consequence: intron variant.
Genome position (GRCh38, 1-based): chr17:80,104,538-80,104,545, GCTTTCTT replaced by TCCCTGCTGAGCCTCCTACAGGCCTCCCGC. GRCh37 (hg19): chr17:78,078,337-78,078,344.
Other names: c.-32-17_-32-10delinsTCCCTGCTGAGCCTCCTACAGGCCTCCCGC (NM_001079803.3, NM_001079804.3).
Identifiers: ClinVar variation 1980660 (VCV001980660.5), dbSNP rs2510343698, ClinGen allele CA913184750.